The following is an entry in ClinVar:

ClinVar aggregate classification (germline): Conflicting classifications of pathogenicity. Review status: criteria provided, conflicting classifications (1 of 4 stars). 3 submissions from 3 submitters: Uncertain significance (1); Likely benign (2). Last evaluated 2025-03-17.

Conditions:
Dyskeratosis congenita. Identifiers: Orphanet 1775, MedGen C0265965, MONDO:0015780.
Idiopathic Pulmonary Fibrosis. Also called: Idiopathic fibrosing alveolitis, chronic form; idiopathic fibrosing alveolitis. Identifiers: Orphanet 2032, MedGen C1800706, MeSH D054990, MONDO:0800504.
Dyskeratosis congenita, autosomal dominant 2. Identifiers: MedGen C3151443, MONDO:0013521, OMIM 613989.

Allele frequency attached by ClinVar (database versions not stated): TOPMed 0.00001; gnomAD 0.00002; gnomAD exomes 0.00004; ExAC 0.00006.
gnomAD v4.1: 25 of 1,530,784 alleles (0.0016%); highest among the groups gnomAD compares: African/African-American, 0.0042%; no homozygotes.

Submissions (3):

Labcorp Genetics (formerly Invitae), Labcorp
Classification: Likely benign for Dyskeratosis congenita, autosomal dominant 2; Idiopathic Pulmonary Fibrosis. Last evaluated: 2025-03-17. Review status: criteria provided, single submitter. Criteria: Invitae Variant Classification Sherloc (09022015). Collection method: clinical testing. Allele origin: germline.

Ambry Genetics
Classification: Likely benign for Dyskeratosis congenita. Last evaluated: 2025-02-13. Review status: criteria provided, single submitter. Criteria: Ambry Variant Classification Scheme 2023. Collection method: clinical testing. Allele origin: germline.

GeneDx
Classification: Uncertain significance. Last evaluated: 2024-05-08. Review status: criteria provided, single submitter. Criteria: GeneDx Variant Classification Process June 2021. Collection method: clinical testing. Allele origin: germline. Affected: yes.
Comment: In silico analysis indicates that this missense variant does not alter protein structure/function; Has not been previously published as pathogenic or benign to our knowledge; This variant is associated with the following publications: (PMID: 25971939, 34641967, 35106810)

NM_198253.3(TERT):c.2020G>A (p.Gly674Ser)

Gene: TERT (telomerase reverse transcriptase; minus strand). Cytogenetic location: 5p15.33.
Variant type: single nucleotide variant.
Coding change: c.2020G>A on transcript NM_198253.3 (MANE Select); coding-DNA position 2020, G replaced by A.
Protein change: p.Gly674Ser; replaces glycine 674 with serine.
Molecular consequence: missense variant. On other transcripts: non-coding transcript variant (2).
Genome position (GRCh38, 1-based): chr5:1,279,401, C>T on the plus strand (G>A on the coding strand, the complement: TERT is on the minus strand). VCF-style: chr5-1279401-C-T. GRCh37 (hg19) VCF-style: chr5-1279516-C-T.
Other names: c.2020G>A, p.Gly674Ser (NM_001193376.3); short protein forms G674S.
Identifiers: ClinVar variation 649935 (VCV000649935.51), dbSNP rs773813809, ClinGen allele CA3184684.